The following is an entry in ClinVar:

ClinVar aggregate classification (germline): Pathogenic (1 of 4 stars; one submission).

Conditions:
Carnitine acylcarnitine translocase deficiency (CACTD). Identifiers: Orphanet 159, MedGen C0342791, MONDO:0008918, OMIM 212138.

Submission:

Labcorp Genetics (formerly Invitae), Labcorp
Classification: Pathogenic for Carnitine acylcarnitine translocase deficiency. Last evaluated: 2026-01-19. Review status: criteria provided, single submitter. Criteria: Invitae Variant Classification Sherloc (09022015). Collection method: clinical testing. Allele origin: germline.
Comment: This sequence change creates a premature translational stop signal (p.Tyr72*) in the SLC25A20 gene. It is expected to result in an absent or disrupted protein product. Loss-of-function variants in SLC25A20 are known to be pathogenic (PMID: 25614308). This variant is not present in population databases (gnomAD no frequency). This variant has not been reported in the literature in individuals affected with SLC25A20-related conditions. For these reasons, this variant has been classified as Pathogenic.

Literature cited by the submitters: PubMed 25614308.

NM_000387.6(SLC25A20):c.216T>G (p.Tyr72Ter)

Gene: SLC25A20 (solute carrier family 25 member 20; minus strand). Cytogenetic location: 3p21.31.
Variant type: single nucleotide variant.
Coding change: c.216T>G on transcript NM_000387.6 (MANE Select); coding-DNA position 216, T replaced by G.
Protein change: p.Tyr72Ter; replaces tyrosine 72 with a stop codon.
Molecular consequence: nonsense.
Genome position (GRCh38, 1-based): chr3:48,884,107, A>C on the plus strand (T>G on the coding strand, the complement: SLC25A20 is on the minus strand). VCF-style: chr3-48884107-A-C. GRCh37 (hg19) VCF-style: chr3-48921540-A-C.
Other names: short protein forms Y72*.
Identifiers: ClinVar variation 4710138 (VCV004710138.1).